The following is an entry in ClinVar:

NM_024537.4(CARS2):c.1676A>G (p.Asp559Gly)

Gene: CARS2 (cysteinyl-tRNA synthetase 2, mitochondrial; minus strand). Cytogenetic location: 13q34.
Variant type: single nucleotide variant.
Coding change: c.1676A>G on transcript NM_024537.4 (MANE Select); coding-DNA position 1676, A replaced by G.
Protein change: p.Asp559Gly; replaces aspartic acid 559 with glycine.
Molecular consequence: missense variant. On other transcripts: non-coding transcript variant (2).
Genome position (GRCh38, 1-based): chr13:110,641,556, T>C on the plus strand (A>G on the coding strand, the complement: CARS2 is on the minus strand). VCF-style: chr13-110641556-T-C. GRCh37 (hg19) VCF-style: chr13-111293903-T-C.
Other names: c.890A>G, p.Asp297Gly (NM_001352252.2); c.1676A>G (NM_024537.2); short protein forms D297G, D559G.
Identifiers: ClinVar variation 1055143 (VCV001055143.7), dbSNP rs756477588, ClinGen allele CA7051560.

ClinVar aggregate classification (germline): Uncertain significance. Review status: criteria provided, multiple submitters, no conflicts (2 of 4 stars). 2 submissions from 2 submitters: Uncertain significance (2). Last evaluated 2026-01-19.

Conditions:
Inborn genetic diseases. Identifiers: MedGen C0950123, MeSH D030342.
Combined oxidative phosphorylation defect type 27. Also called: Combined oxidative phosphorylation deficiency 27. Identifiers: Orphanet 477774, MedGen C5567608, MONDO:0014728, OMIM 616672.

Allele frequency attached by ClinVar (database versions not stated): gnomAD exomes below 0.00001; TOPMed below 0.00001; ExAC 0.00001; gnomAD 0.00001.
gnomAD v4.1: 6 of 1,613,932 alleles (0.00037%); highest among the groups gnomAD compares: Middle Eastern, 0.016%; no homozygotes.

Submissions (2):

Labcorp Genetics (formerly Invitae), Labcorp
Classification: Uncertain significance for Combined oxidative phosphorylation defect type 27. Last evaluated: 2026-01-19. Review status: criteria provided, single submitter. Criteria: Invitae Variant Classification Sherloc (09022015). Collection method: clinical testing. Allele origin: germline.
Comment: This sequence change replaces aspartic acid, which is acidic and polar, with glycine, which is neutral and non-polar, at codon 559 of the CARS2 protein (p.Asp559Gly). This variant is present in population databases (rs756477588, gnomAD 0.0009%). This variant has not been reported in the literature in individuals affected with CARS2-related conditions. ClinVar contains an entry for this variant (Variation ID: 1055143). An algorithm developed to predict the effect of missense changes on protein structure and function (PolyPhen-2) suggests that this variant is likely to be tolerated. In summary, the available evidence is currently insufficient to determine the role of this variant in disease. Therefore, it has been classified as a Variant of Uncertain Significance.

Ambry Genetics
Classification: Uncertain significance for Inborn genetic diseases. Last evaluated: 2025-10-24. Review status: criteria provided, single submitter. Criteria: Ambry Variant Classification Scheme 2023. Collection method: clinical testing. Allele origin: germline.